The following is an entry in ClinVar:

ClinVar aggregate classification (germline): Uncertain significance. Review status: criteria provided, multiple submitters, no conflicts (2 of 4 stars). 2 submissions from 2 submitters: Uncertain significance (2). Last evaluated 2025-07-23.

Submissions (2):

Labcorp Genetics (formerly Invitae), Labcorp
Classification: Uncertain significance. Last evaluated: 2025-07-23. Review status: criteria provided, single submitter. Criteria: Invitae Variant Classification Sherloc (09022015). Collection method: clinical testing. Allele origin: germline.
Comment: This sequence change replaces serine, which is neutral and polar, with arginine, which is basic and polar, at codon 1089 of the DUOX2 protein (p.Ser1089Arg). This variant is not present in population databases (gnomAD no frequency). This missense change has been observed in individual(s) with congenital hypothyroidism (PMID: 33631011). ClinVar contains an entry for this variant (Variation ID: 1971523). Invitae Evidence Modeling of protein sequence and biophysical properties (such as structural, functional, and spatial information, amino acid conservation, physicochemical variation, residue mobility, and thermodynamic stability) indicates that this missense variant is expected to disrupt DUOX2 protein function with a positive predictive value of 80%. In summary, the available evidence is currently insufficient to determine the role of this variant in disease. Therefore, it has been classified as a Variant of Uncertain Significance.

Women's Health and Genetics/Laboratory Corporation of America, LabCorp
Classification: Uncertain significance. Last evaluated: 2025-05-12. Review status: criteria provided, single submitter. Criteria: LabCorp Variant Classification Summary - May 2015. Collection method: clinical testing. Allele origin: germline.
Comment: Variant summary: DUOX2 c.3267C>G (p.Ser1089Arg) results in a non-conservative amino acid change in the encoded protein sequence. Algorithms developed to predict the effect of missense changes on protein structure and function are either unavailable or do not agree on the potential impact of this missense change. The variant was absent in 251444 control chromosomes. The available data on variant occurrences in the general population are insufficient to allow any conclusion about variant significance. c.3267C>G has been observed in individual(s) affected with Hypothyroidism (Wang_2021). These report(s) do not provide unequivocal conclusions about association of the variant with Thyroid Dyshormonogenesis 6. To our knowledge, no experimental evidence demonstrating an impact on protein function has been reported. The following publication have been ascertained in the context of this evaluation (PMID: 33631011). ClinVar contains an entry for this variant (Variation ID: 1971523). Based on the evidence outlined above, the variant was classified as uncertain significance.

Literature cited by the submitters: PubMed 33631011 (cited by Labcorp Genetics (formerly Invitae), Labcorp and Women's Health and Genetics/Laboratory Corporation of America, LabCorp).

NM_001363711.2(DUOX2):c.3267C>G (p.Ser1089Arg)

Gene: DUOX2 (dual oxidase 2; minus strand). Cytogenetic location: 15q21.1.
Variant type: single nucleotide variant.
Coding change: c.3267C>G on transcript NM_001363711.2 (MANE Select); coding-DNA position 3267, C replaced by G.
Protein change: p.Ser1089Arg; replaces serine 1089 with arginine.
Molecular consequence: missense variant.
Genome position (GRCh38, 1-based): chr15:45,099,810, G>C on the plus strand (C>G on the coding strand, the complement: DUOX2 is on the minus strand). VCF-style: chr15-45099810-G-C. GRCh37 (hg19) VCF-style: chr15-45392008-G-C.
Other names: c.3267C>G, p.Ser1089Arg (NM_014080.5); short protein forms S1089R.
Identifiers: ClinVar variation 1971523 (VCV001971523.4), dbSNP rs202085990, ClinGen allele CA392262196.